The following is an entry in ClinVar:

ClinVar aggregate classification (germline): Uncertain significance (1 of 4 stars; one submission).

Conditions:
Generalized epilepsy with febrile seizures plus, type 7 (GEFSP7). Also called: GEFS+, TYPE 7. Identifiers: Orphanet 36387, MedGen C2751778, MONDO:0013470, OMIM 613863.
Neuropathy, hereditary sensory and autonomic, type 2A (HSAN2A). Also called: MORVAN DISEASE; NEUROPATHY, CONGENITAL SENSORY; NEUROPATHY, HEREDITARY SENSORY RADICULAR, AUTOSOMAL RECESSIVE; NEUROPATHY, HEREDITARY SENSORY, TYPE IIA; NEUROPATHY, PROGRESSIVE SENSORY, OF CHILDREN; HSAN IIA. Identifiers: Orphanet 970, MedGen C2752089, MONDO:0024309, OMIM 201300.

gnomAD v4.1: 4 of 1,576,376 alleles (0.00025%); highest among the groups gnomAD compares: Non-Finnish European, 0.00034%; no homozygotes.

Submission:

Labcorp Genetics (formerly Invitae), Labcorp
Classification: Uncertain significance for Neuropathy, hereditary sensory and autonomic, type 2A; Generalized epilepsy with febrile seizures plus, type 7. Last evaluated: 2024-10-31. Review status: criteria provided, single submitter. Criteria: Invitae Variant Classification Sherloc (09022015). Collection method: clinical testing. Allele origin: germline.
Comment: This sequence change replaces isoleucine, which is neutral and non-polar, with threonine, which is neutral and polar, at codon 1205 of the SCN9A protein (p.Ile1205Thr). The frequency data for this variant in the population databases is considered unreliable, as metrics indicate poor data quality at this position in the gnomAD database. This variant has not been reported in the literature in individuals affected with SCN9A-related conditions. Invitae Evidence Modeling of protein sequence and biophysical properties (such as structural, functional, and spatial information, amino acid conservation, physicochemical variation, residue mobility, and thermodynamic stability) indicates that this missense variant is not expected to disrupt SCN9A protein function with a negative predictive value of 80%. In summary, the available evidence is currently insufficient to determine the role of this variant in disease. Therefore, it has been classified as a Variant of Uncertain Significance.

NM_001365536.1(SCN9A):c.3647T>C (p.Ile1216Thr)

Genes: SCN1A-AS1 (SCN1A and SCN9A antisense RNA 1; plus strand), SCN9A (sodium voltage-gated channel alpha subunit 9; minus strand). Cytogenetic location: 2q24.3.
Variant type: single nucleotide variant.
Coding change: c.3647T>C on transcript NM_001365536.1 (MANE Select); coding-DNA position 3647, T replaced by C.
Protein change: p.Ile1216Thr; replaces isoleucine 1216 with threonine.
Molecular consequence: missense variant.
Genome position (GRCh38, 1-based): chr2:166,238,248, A>G on the plus strand (T>C on the coding strand, the complement: SCN9A is on the minus strand). VCF-style: chr2-166238248-A-G. GRCh37 (hg19) VCF-style: chr2-167094758-A-G.
Other names: c.3614T>C, p.Ile1205Thr (NM_002977.4); short protein forms I1205T, I1216T.
Identifiers: ClinVar variation 3748986 (VCV003748986.2).